The following is an entry in ClinVar:

ClinVar aggregate classification (germline): Likely benign (1 of 4 stars; one submission).

Allele frequency attached by ClinVar (database versions not stated): gnomAD exomes 0.00001; ExAC 0.00002; gnomAD 0.00002; TOPMed 0.00003; ESP Exome Variant Server 0.00008.
gnomAD v4.1: 18 of 1,613,270 alleles (0.0011%); highest among the groups gnomAD compares: Non-Finnish European, 0.0014%; no homozygotes.

Submission:

CeGaT Center for Human Genetics Tuebingen
Classification: Likely benign. Last evaluated: 2022-07-01. Review status: criteria provided, single submitter. Criteria: CeGaT Center For Human Genetics Tuebingen Variant Classification Criteria Version 2. Collection method: clinical testing. Allele origin: germline. Affected: yes. Observed: 1 variant allele.
Comment: ADAMTSL1: BP4

NM_001040272.6(ADAMTSL1):c.4926C>T (p.Ile1642=)

Gene: ADAMTSL1 (ADAMTS like 1; plus strand). Cytogenetic location: 9p22.1.
Variant type: single nucleotide variant.
Coding change: c.4926C>T on transcript NM_001040272.6 (MANE Select); coding-DNA position 4926, C replaced by T.
Protein change: p.Ile1642=; no amino-acid change (isoleucine 1642 retained).
Molecular consequence: synonymous variant.
Genome position (GRCh38, 1-based): chr9:18,905,856, C>T. VCF-style: chr9-18905856-C-T. GRCh37 (hg19) VCF-style: chr9-18905854-C-T.
Identifiers: ClinVar variation 2659102 (VCV002659102.24), dbSNP rs372913809, ClinGen allele CA5000261.
Genomic context (GRCh38, chr9:18,905,856, plus strand): 5'-CATCGGGCCTCACCTAGCTGTGCAACACAGACAAGTCTTCTGCCAGACACGGGATGGCAT[C>T]ACCTTACCATCAGAGCAGTGCAGTGCTCTTCCGAGGTAAGAGAAAGCCCTGAATCTCCTT-3'
Protein context (NP_001035362.3, residues 1632-1652): RQVFCQTRDG[Ile1642=]TLPSEQCSAL